The following is an entry in ClinVar:

ClinVar aggregate classification (germline): Likely benign. Review status: criteria provided, single submitter (1 of 4 stars). 2 submissions from 2 submitters: Likely benign (1). 1 of the submissions does not count toward it. Last evaluated 2024-03-04.

Conditions:
KCNMA1-related disorder. Also called: KCNMA1-related condition; KCNMA1-related disorders.

Allele frequency attached by ClinVar (database versions not stated): 1000 Genomes Project 0.00120; 1000 Genomes Project 30x 0.00141.
gnomAD v4.1: 398 of 1,536,208 alleles (0.026%); highest among the groups gnomAD compares: African/African-American, 0.5%; 4 homozygotes.

Submissions (2):

Blueprint Genetics
Classification: Likely benign. Last evaluated: 2024-03-04. Review status: criteria provided, single submitter. Criteria: ACMG Guidelines, 2015. Collection method: clinical testing. Allele origin: germline.

PreventionGenetics, part of Exact Sciences
Classification: Likely benign for KCNMA1-related condition. Last evaluated: 2022-09-07. Review status: no assertion criteria provided. Collection method: clinical testing. Allele origin: germline. Not counted in ClinVar's aggregate classification.
Comment: This variant is classified as likely benign based on ACMG/AMP sequence variant interpretation guidelines (Richards et al. 2015 PMID: 25741868, with internal and published modifications).

NM_001161352.2(KCNMA1):c.378+808C>T

Gene: KCNMA1 (potassium calcium-activated channel subfamily M alpha 1; minus strand). Cytogenetic location: 10q22.3.
Variant type: single nucleotide variant.
Coding change: c.378+808C>T on transcript NM_001161352.2 (MANE Select); 808 bases into the intron after coding-DNA position 378, C replaced by T.
Molecular consequence: intron variant. On other transcripts: 3 prime UTR variant (2), missense variant (2).
Genome position (GRCh38, 1-based): chr10:77,636,457, G>A on the plus strand (C>T on the coding strand, the complement: KCNMA1 is on the minus strand). VCF-style: chr10-77636457-G-A. GRCh37 (hg19) VCF-style: chr10-79396215-G-A.
Other names: c.*286C>T (NM_001271520.2); c.*104C>T (NM_001271521.2); c.437C>T, p.Pro146Leu (NM_001271522.2); c.604C>T, p.Arg202Cys (NM_001322839.2); c.378+808C>T (NM_001271518.2, NM_001322832.2, NM_001410940.1 and 9 more transcripts); short protein forms P146L, R202C.
Identifiers: ClinVar variation 3035471 (VCV003035471.3), dbSNP rs116144703, ClinGen allele CA5568731.